The following is an entry in ClinVar:

NM_020699.4(GATAD2B):c.977C>T (p.Pro326Leu)

Gene: GATAD2B (GATA zinc finger domain containing 2B; minus strand). Cytogenetic location: 1q21.3.
Variant type: single nucleotide variant.
Coding change: c.977C>T on transcript NM_020699.4 (MANE Select); coding-DNA position 977, C replaced by T.
Protein change: p.Pro326Leu; replaces proline 326 with leucine.
Molecular consequence: missense variant.
Genome position (GRCh38, 1-based): chr1:153,816,512, G>A on the plus strand (C>T on the coding strand, the complement: GATAD2B is on the minus strand). VCF-style: chr1-153816512-G-A. GRCh37 (hg19) VCF-style: chr1-153788988-G-A.
Other names: short protein forms P326L.
Identifiers: ClinVar variation 4819541 (VCV004819541.1).

ClinVar aggregate classification (germline): Likely benign (1 of 4 stars; one submission).

Conditions:
Severe intellectual disability-poor language-strabismus-grimacing face-long fingers syndrome (GAND). Also called: GAND SYNDROME. Identifiers: Orphanet 363686, MedGen C3554448, MONDO:0014034, OMIM 615074.

Submission:

Centre for Medical Genetics,  Mumbai
Classification: Likely benign for Severe intellectual disability-poor language-strabismus-grimacing face-long fingers syndrome. Last evaluated: 2026-03-16. Review status: criteria provided, single submitter. Criteria: ACMG Guidelines, 2015. Collection method: provider interpretation. Allele origin: germline. Inheritance: Autosomal dominant inheritance. Affected: no. Observed: 1 variant allele, 1 heterozygote.
Comment: The variant satisfies PM2 criteria; Extremely low frequency in gnomAD population databases. The variant satisfies PP2 criteria; Missense variant in a gene with low rate of benign missense mutations and for which missense mutation is a common mechanism of a disease. The variant satisfies BP4 criteria; For a missense or a splice region variant, computational prediction tools unanimously support a benign effect on the gene. However, the variant satisfies BS2 criteria.

Literature cited by the submitters: PubMed 23033978.